The following is an entry in ClinVar:

NM_000260.4(MYO7A):c.5011C>A (p.Pro1671Thr)

Gene: MYO7A (myosin VIIA; plus strand). Cytogenetic location: 11q13.5.
Variant type: single nucleotide variant.
Coding change: c.5011C>A on transcript NM_000260.4 (MANE Select); coding-DNA position 5011, C replaced by A.
Protein change: p.Pro1671Thr; replaces proline 1671 with threonine.
Molecular consequence: missense variant.
Genome position (GRCh38, 1-based): chr11:77,201,606, C>A. VCF-style: chr11-77201606-C-A. GRCh37 (hg19) VCF-style: chr11-76912651-C-A.
Other names: c.4897C>A, p.Pro1633Thr (NM_001127180.2); c.4864C>A, p.Pro1622Thr (NM_001369365.1); short protein forms P1633T, P1622T, P1671T.
Identifiers: ClinVar variation 853885 (VCV000853885.7), dbSNP rs750926300, ClinGen allele CA6198590.

ClinVar aggregate classification (germline): Uncertain significance. Review status: criteria provided, multiple submitters, no conflicts (2 of 4 stars). 4 submissions from 4 submitters: Uncertain significance (3). 1 of the submissions does not count toward it. Last evaluated 2026-09-11.

Conditions:
Inborn genetic diseases. Identifiers: MedGen C0950123, MeSH D030342.
Usher syndrome type 1B (USH1B). Also called: Usher syndrome type IB. Identifiers: MedGen C1848638, MONDO:0700087.

Allele frequency attached by ClinVar (database versions not stated): gnomAD 0.00001; TOPMed 0.00002; gnomAD exomes 0.00001 and 0.00003; ExAC 0.00002.
gnomAD v4.1: 42 of 1,613,630 alleles (0.0026%); highest among the groups gnomAD compares: Non-Finnish European, 0.0035%; no homozygotes.

Submissions (4):

Ambry Genetics
Classification: Uncertain significance for Inborn genetic diseases. Last evaluated: 2026-09-11. Review status: criteria provided, single submitter. Criteria: Ambry Variant Classification Scheme 2023. Collection method: clinical testing. Allele origin: germline.

Labcorp Genetics (formerly Invitae), Labcorp
Classification: Uncertain significance. Last evaluated: 2025-03-25. Review status: criteria provided, single submitter. Criteria: Invitae Variant Classification Sherloc (09022015). Collection method: clinical testing. Allele origin: germline.
Comment: This sequence change replaces proline, which is neutral and non-polar, with threonine, which is neutral and polar, at codon 1671 of the MYO7A protein (p.Pro1671Thr). This variant is present in population databases (rs750926300, gnomAD 0.004%). This variant has not been reported in the literature in individuals affected with MYO7A-related conditions. ClinVar contains an entry for this variant (Variation ID: 853885). Invitae Evidence Modeling of protein sequence and biophysical properties (such as structural, functional, and spatial information, amino acid conservation, physicochemical variation, residue mobility, and thermodynamic stability) has been performed for this missense variant. However, the output from this modeling did not meet the statistical confidence thresholds required to predict the impact of this variant on MYO7A protein function. In summary, the available evidence is currently insufficient to determine the role of this variant in disease. Therefore, it has been classified as a Variant of Uncertain Significance.

Blueprint Genetics
Classification: Uncertain significance. Last evaluated: 2019-05-10. Review status: criteria provided, single submitter. Criteria: ACMG Guidelines, 2015. Collection method: clinical testing. Allele origin: germline.

Natera, Inc.
Classification: Uncertain significance for Usher syndrome type 1B. Last evaluated: 2021-04-22. Review status: no assertion criteria provided. Collection method: clinical testing. Allele origin: germline. Not counted in ClinVar's aggregate classification.